The following is an entry in ClinVar:

NM_001267550.2(TTN):c.70042G>A (p.Ala23348Thr)

Genes: TTN (titin; minus strand), TTN-AS1 (TTN antisense RNA 1; plus strand), LOC126806422 (BRD4-independent group 4 enhancer GRCh37_chr2:179440205-179441404; plus strand). Cytogenetic location: 2q31.2.
Variant type: single nucleotide variant.
Coding change: c.70042G>A on transcript NM_001267550.2 (MANE Select); coding-DNA position 70042, G replaced by A.
Protein change: p.Ala23348Thr; replaces alanine 23348 with threonine.
Molecular consequence: missense variant.
Genome position (GRCh38, 1-based): chr2:178,576,090, C>T on the plus strand (G>A on the coding strand, the complement: TTN is on the minus strand). VCF-style: chr2-178576090-C-T. GRCh37 (hg19) VCF-style: chr2-179440817-C-T.
Other names: c.65119G>A, p.Ala21707Thr (NM_001256850.1); c.42847G>A, p.Ala14283Thr (NM_003319.4); c.62338G>A, p.Ala20780Thr (NM_133378.4); c.43222G>A, p.Ala14408Thr (NM_133432.3); c.43423G>A, p.Ala14475Thr (NM_133437.4); short protein forms A20780T, A23348T, A21707T, A14408T, A14283T, A14475T.
Identifiers: ClinVar variation 191907 (VCV000191907.22), dbSNP rs775146212, ClinGen allele CA237839.

ClinVar aggregate classification (germline): Conflicting classifications of pathogenicity. Review status: criteria provided, conflicting classifications (1 of 4 stars). 4 submissions from 4 submitters: Uncertain significance (1); Likely benign (3). Last evaluated 2025-12-29.

Conditions:
Dilated cardiomyopathy 1G (CMD1G). Identifiers: Orphanet 154, MedGen C1858763, MONDO:0011400, OMIM 604145.
Autosomal recessive limb-girdle muscular dystrophy type 2J (LGMDR10). Also called: Limb-girdle muscular dystrophy, type 2J; MUSCULAR DYSTROPHY, LIMB-GIRDLE, AUTOSOMAL RECESSIVE 10. Identifiers: Orphanet 140922, MedGen C1837342, MONDO:0012127, OMIM 608807.

Allele frequency attached by ClinVar (database versions not stated): gnomAD exomes 0.00003 and 0.00012; gnomAD 0.00007; TOPMed 0.00011; ExAC 0.00013; 1000 Genomes Project 30x 0.00016.
gnomAD v4.1: 58 of 1,613,464 alleles (0.0036%); highest among the groups gnomAD compares: East Asian, 0.096%; no homozygotes.

Submissions (4):

Labcorp Genetics (formerly Invitae), Labcorp
Classification: Likely benign for Dilated cardiomyopathy 1G; Autosomal recessive limb-girdle muscular dystrophy type 2J. Last evaluated: 2025-12-29. Review status: criteria provided, single submitter. Criteria: Invitae Variant Classification Sherloc (09022015). Collection method: clinical testing. Allele origin: germline.

Women's Health and Genetics/Laboratory Corporation of America, LabCorp
Classification: Likely benign. Last evaluated: 2023-12-04. Review status: criteria provided, single submitter. Criteria: LabCorp Variant Classification Summary - May 2015. Collection method: clinical testing. Allele origin: germline.
Comment: Variant summary: TTN c.62338G>A (p.Ala20780Thr) results in a non-conservative amino acid change located in the A-band domain of the encoded protein sequence. Two of four in-silico tools predict a benign effect of the variant on protein function. The variant allele was found at a frequency of 0.00012 in 248538 control chromosomes, predominantly at a frequency of 0.0016 within the East Asian subpopulation in the gnomAD database. The observed variant frequency within East Asian control individuals in the gnomAD database is approximately 4 fold of the estimated maximal expected allele frequency for a pathogenic variant in TTN causing Dilated Cardiomyopathy phenotype (0.00039), strongly suggesting that the variant is a benign polymorphism found primarily in populations of East Asian origin. c.62338G>A has been reported in the literature in at least one individual affected with Dilated Cardiomyopathy (Dai_2019). The report does not provide unequivocal conclusions about association of the variant with Dilated Cardiomyopathy. To our knowledge, no experimental evidence demonstrating an impact on protein function has been reported. The following publications have been ascertained in the context of this evaluation (PMID: 30993396, 36675693). Two submitters have cited clinical-significance assessments for this variant to ClinVar after 2014. All submitters classified the variant as likely benign. Based on the evidence outlined above, the variant was classified as likely benign.

GeneDx
Classification: Likely benign. Last evaluated: 2018-02-09. Review status: criteria provided, single submitter. Criteria: GeneDx Variant Classification (06012015). Collection method: clinical testing. Allele origin: germline. Affected: yes.
Comment: This variant is considered likely benign or benign based on one or more of the following criteria: it is a conservative change, it occurs at a poorly conserved position in the protein, it is predicted to be benign by multiple in silico algorithms, and/or has population frequency not consistent with disease.

Biesecker Lab/Clinical Genomics Section, National Institutes of Health
Classification: Uncertain significance. Last evaluated: 2013-06-24. Review status: criteria provided, single submitter. Criteria: Ng et al. (Circ Cardiovasc Genet. 2013). Collection method: research. Allele origin: unknown. Observed: 1 variant allele. Study: ClinSeq.
Comment: The study set was not selected for affection status in relation to any cancer. Pathogenicity categories were based on literature curation. See Pubmed ID:23861362 for details.

Medical sequencing

Literature cited by the submitters: PubMed 30993396 (cited by Women's Health and Genetics/Laboratory Corporation of America, LabCorp); PubMed 36675693 (cited by Women's Health and Genetics/Laboratory Corporation of America, LabCorp).